The following is an entry in ClinVar:

NM_005219.5(DIAPH1):c.677A>G (p.Asn226Ser)

Gene: DIAPH1 (diaphanous related formin 1; minus strand). Cytogenetic location: 5q31.3.
Variant type: single nucleotide variant.
Coding change: c.677A>G on transcript NM_005219.5 (MANE Select); coding-DNA position 677, A replaced by G.
Protein change: p.Asn226Ser; replaces asparagine 226 with serine.
Molecular consequence: missense variant.
Genome position (GRCh38, 1-based): chr5:141,582,319, T>C on the plus strand (A>G on the coding strand, the complement: DIAPH1 is on the minus strand). VCF-style: chr5-141582319-T-C. GRCh37 (hg19) VCF-style: chr5-140961886-T-C.
Other names: c.650A>G, p.Asn217Ser (NM_001079812.3); c.677A>G, p.Asn226Ser (NM_001314007.2); short protein forms N217S, N226S.
Identifiers: ClinVar variation 954770 (VCV000954770.6), dbSNP rs2099896900, ClinGen allele CA361539511.

ClinVar aggregate classification (germline): Uncertain significance (1 of 4 stars; one submission).

Conditions:
Progressive microcephaly-seizures-cortical blindness-developmental delay syndrome. Also called: Seizures, cortical blindness, and microcephaly syndrome. Identifiers: Orphanet 477814, MedGen C5567650, MONDO:0014714, OMIM 616632.
Autosomal dominant nonsyndromic hearing loss 1. Also called: KONIGSMARK SYNDROME; DEAFNESS, AUTOSOMAL DOMINANT 1, WITH OR WITHOUT THROMBOCYTOPENIA. Identifiers: Orphanet 90635, MedGen C1852282, MONDO:0007424, OMIM 124900.

Submission:

Labcorp Genetics (formerly Invitae), Labcorp
Classification: Uncertain significance for Progressive microcephaly-seizures-cortical blindness-developmental delay syndrome; Autosomal dominant nonsyndromic hearing loss 1. Last evaluated: 2025-07-08. Review status: criteria provided, single submitter. Criteria: Invitae Variant Classification Sherloc (09022015). Collection method: clinical testing. Allele origin: germline.
Comment: This sequence change replaces asparagine, which is neutral and polar, with serine, which is neutral and polar, at codon 226 of the DIAPH1 protein (p.Asn226Ser). This variant is not present in population databases (gnomAD no frequency). This variant has not been reported in the literature in individuals affected with DIAPH1-related conditions. ClinVar contains an entry for this variant (Variation ID: 954770). Experimental studies and prediction algorithms are not available or were not evaluated, and the functional significance of this variant is currently unknown. In summary, the available evidence is currently insufficient to determine the role of this variant in disease. Therefore, it has been classified as a Variant of Uncertain Significance.